The following is an entry in ClinVar:

ClinVar aggregate classification (germline): Pathogenic/Likely pathogenic. Review status: criteria provided, multiple submitters, no conflicts (2 of 4 stars). 2 submissions from 2 submitters: Pathogenic (1); Likely pathogenic (1). Last evaluated 2023-04-20.

Conditions:
CACNA1A-associated disorder.
Spinocerebellar ataxia type 6 (SCA6). Identifiers: Orphanet 98758, MedGen C0752124, MONDO:0008457, OMIM 183086.
Episodic ataxia type 2 (EA2). Also called: ACETAZOLAMIDE-RESPONSIVE HEREDITARY PAROXYSMAL CEREBELLAR ATAXIA; ATAXIA, EPISODIC, WITH NYSTAGMUS; ATAXIA, FAMILIAL PAROXYSMAL; CEREBELLAR ATAXIA, PAROXYSMAL, ACETAZOLAMIDE-RESPONSIVE; CEREBELLOPATHY, HEREDITARY PAROXYSMAL; EPISODIC ATAXIA, NYSTAGMUS-ASSOCIATED. Identifiers: Orphanet 97, MedGen C1720416, MONDO:0007163, OMIM 108500.
Migraine, familial hemiplegic, 1. Also called: MIGRAINE, FAMILIAL HEMIPLEGIC 1, WITH PROGRESSIVE CEREBELLAR ATAXIA. Identifiers: Orphanet 569, MedGen C1832884, MONDO:0020756, OMIM 141500, MONDO:0007714.
Developmental and epileptic encephalopathy, 52 (DEE52). Also called: Epileptic encephalopathy, early infantile, 52. Identifiers: MedGen C4479236, MONDO:0033361, OMIM 617350.

Submissions (2):

Greenwood Genetic Center Diagnostic Laboratories, Greenwood Genetic Center
Classification: Pathogenic for CACNA1A-associated disorder. Last evaluated: 2023-04-20. Review status: criteria provided, single submitter. Criteria: ACMG Guidelines, 2015. Collection method: clinical testing. Allele origin: germline. Affected: yes.
Comment: PS1, PS4_Supporting, PM1, PM2, PP2, PP3

Wendy Chung Laboratory, Boston Children's Hospital
Classification: Likely pathogenic for Developmental and epileptic encephalopathy, 52; Episodic ataxia type 2; Migraine, familial hemiplegic, 1; Spinocerebellar ataxia type 6. Last evaluated: 2022-03-20. Review status: criteria provided, single submitter. Criteria: ACMG Guidelines, 2015. Collection method: clinical testing. Allele origin: de novo. Affected: yes.

NM_001127222.2(CACNA1A):c.4031T>C (p.Leu1344Pro)

Gene: CACNA1A (calcium voltage-gated channel subunit alpha1 A; minus strand). Cytogenetic location: 19p13.13.
Variant type: single nucleotide variant.
Coding change: c.4031T>C on transcript NM_001127222.2 (MANE Select); coding-DNA position 4031, T replaced by C.
Protein change: p.Leu1344Pro; replaces leucine 1344 with proline.
Molecular consequence: missense variant.
Genome position (GRCh38, 1-based): chr19:13,262,792, A>G on the plus strand (T>C on the coding strand, the complement: CACNA1A is on the minus strand). VCF-style: chr19-13262792-A-G. GRCh37 (hg19) VCF-style: chr19-13373606-A-G.
Other names: c.4043T>C, p.Leu1348Pro (NM_000068.4, NM_023035.3); c.4034T>C, p.Leu1345Pro (NM_001127221.2, NM_001174080.2); c.4034T>C (NM_001127221.1); short protein forms L1344P, L1345P, L1348P.
Identifiers: ClinVar variation 1679524 (VCV001679524.4), dbSNP rs2144773045, ClinGen allele CA404340020.